The following is an entry in ClinVar:

NM_001040108.2(MLH3):c.849T>C (p.Asn283=)

Gene: MLH3 (mutL homolog 3; minus strand). Cytogenetic location: 14q24.3.
Variant type: single nucleotide variant.
Coding change: c.849T>C on transcript NM_001040108.2 (MANE Select); coding-DNA position 849, T replaced by C.
Protein change: p.Asn283=; no amino-acid change (asparagine 283 retained).
Molecular consequence: synonymous variant.
Genome position (GRCh38, 1-based): chr14:75,048,807, A>G on the plus strand (T>C on the coding strand, the complement: MLH3 is on the minus strand). VCF-style: chr14-75048807-A-G. GRCh37 (hg19) VCF-style: chr14-75515510-A-G.
Other names: c.849T>C, p.Asn283= (NM_014381.3).
Identifiers: ClinVar variation 727956 (VCV000727956.12), dbSNP rs376836787, ClinGen allele CA263653416.

ClinVar aggregate classification (germline): Benign/Likely benign. Review status: criteria provided, multiple submitters, no conflicts (2 of 4 stars). 3 submissions from 3 submitters: Benign (1); Likely benign (2). Last evaluated 2026-04-29.

Conditions:
Colorectal cancer, hereditary nonpolyposis, type 7. Identifiers: Orphanet 144, MedGen C1858380, MONDO:0013725, OMIM 614385.

Allele frequency attached by ClinVar (database versions not stated): TOPMed below 0.00001; ESP Exome Variant Server 0.00008; gnomAD exomes below 0.00001 and 0.00001.
gnomAD v4.1: 3 of 1,614,186 alleles (0.00019%); highest among the groups gnomAD compares: Non-Finnish European, 0.00025%; no homozygotes.

Submissions (3):

Myriad Genetics, Inc.
Classification: Benign for Colorectal cancer, hereditary nonpolyposis, type 7. Last evaluated: 2026-04-29. Review status: criteria provided, single submitter. Criteria: Myriad Autosomal Dominant, Autosomal Recessive and X-Linked Classification Criteria (2023). Collection method: clinical testing. Allele origin: unknown.
Comment: This variant is considered benign. This variant is a silent/synonymous amino acid change and it is not expected to impact splicing.

Labcorp Genetics (formerly Invitae), Labcorp
Classification: Likely benign for Colorectal cancer, hereditary nonpolyposis, type 7. Last evaluated: 2022-07-16. Review status: criteria provided, single submitter. Criteria: Invitae Variant Classification Sherloc (09022015). Collection method: clinical testing. Allele origin: germline.

Ambry Genetics
Classification: Likely benign. Last evaluated: 2020-02-14. Review status: criteria provided, single submitter. Criteria: Ambry Variant Classification Scheme 2023. Collection method: clinical testing. Allele origin: germline.